The following is an entry in ClinVar:

NM_000214.3(JAG1):c.3326ACA[1] (p.Asn1110del)

Gene: JAG1 (jagged canonical Notch ligand 1; minus strand). Cytogenetic location: 20p12.2.
Variant type: Microsatellite.
Coding change: c.3326ACA[1] on transcript NM_000214.3 (MANE Select); one copy of the 3-base unit ACA starting at c.3326; the reference has two copies in a row; one copy, 3 bases deleted.
Protein change: p.Asn1110del; deletes asparagine 1110.
Molecular consequence: inframe deletion.
Genome position (GRCh38, 1-based): chr20:10,639,824-10,639,826, TGT deleted on the plus strand (ACA on the coding strand, the reverse complement: JAG1 is on the minus strand); deleting any 3 consecutive bases within chr20:10,639,824-10,639,829 gives the same sequence; the position shown is the placement nearest the transcript's 3' end. VCF-style (leftmost placement, unchanged base first): chr20-10639823-GTGT-G. GRCh37 (hg19) VCF-style: chr20-10620471-GTGT-G.
Other names: short protein forms N1110del.
Identifiers: ClinVar variation 5038094 (VCV005038094.1).

ClinVar aggregate classification (germline): Uncertain significance (1 of 4 stars; one submission).

Conditions:
Alagille syndrome due to a JAG1 point mutation. Also called: HEPATIC DUCTULAR HYPOPLASIA, SYNDROMATIC; JAG1-Related Alagille Syndrome; Alagille Syndrome 1. Identifiers: Orphanet 261619, Orphanet 52, MedGen C1956125, MONDO:0016862, OMIM 118450.

Submission:

MVZ Medizinische Genetik Mainz
Classification: Uncertain significance for Alagille syndrome due to a JAG1 point mutation. Last evaluated: 2026-05-12. Review status: criteria provided, single submitter. Criteria: UK Practice Guidelines For Variant Classification V4 01 2020. Collection method: clinical testing. Allele origin: germline. Inheritance: Autosomal dominant inheritance. Affected: yes. Observed: 1 variant allele.
Comment: ACMG Criteria: PM2_SUP,PM4_SUP,PP3